The following is an entry in ClinVar:

ClinVar aggregate classification (germline): Uncertain significance (1 of 4 stars; one submission).

Allele frequency attached by ClinVar (database versions not stated): 1000 Genomes Project 0.00020; TOPMed below 0.00001; 1000 Genomes Project 30x 0.00016; ExAC 0.00002.
gnomAD v4.1: 13 of 1,614,140 alleles (0.00081%); highest among the groups gnomAD compares: Non-Finnish European, 0.00093%; no homozygotes.

Submission:

Ambry Genetics
Classification: Uncertain significance. Last evaluated: 2025-09-21. Review status: criteria provided, single submitter. Criteria: Ambry Variant Classification Scheme 2023. Collection method: clinical testing. Allele origin: germline.
Comment: The p.L135F variant (also known as c.405G>T), located in coding exon 2 of the GALNT12 gene, results from a G to T substitution at nucleotide position 405. The leucine at codon 135 is replaced by phenylalanine, an amino acid with highly similar properties. This amino acid position is conserved. In addition, this alteration is predicted to be tolerated by in silico analysis. Since supporting evidence is limited at this time, the clinical significance of this alteration remains unclear.

NM_024642.5(GALNT12):c.405G>T (p.Leu135Phe)

Gene: GALNT12 (polypeptide N-acetylgalactosaminyltransferase 12; plus strand). Cytogenetic location: 9q22.33.
Variant type: single nucleotide variant.
Coding change: c.405G>T on transcript NM_024642.5 (MANE Select); coding-DNA position 405, G replaced by T.
Protein change: p.Leu135Phe; replaces leucine 135 with phenylalanine.
Molecular consequence: missense variant.
Genome position (GRCh38, 1-based): chr9:98,823,289, G>T. VCF-style: chr9-98823289-G-T. GRCh37 (hg19) VCF-style: chr9-101585571-G-T.
Other names: short protein forms L135F.
Identifiers: ClinVar variation 2473097 (VCV002473097.3), dbSNP rs143801019, ClinGen allele CA5153938.
Genomic context (GRCh38, chr9:98,823,289, plus strand): 5'-GTTCCTGAAGTTCCGCTGTATTTGCAGGTGCAAAGAGAAGAAATATGATTATGATAATTT[G>T]CCCAGGACATCTGTTATCATAGCATTTTATAATGAAGCCTGGTCAACTCTCCTTCGGACA-3'
Protein context (NP_078918.3, residues 125-145): CKEKKYDYDN[Leu135Phe]PRTSVIIAFY